The following is an entry in ClinVar:

NM_003477.3(PDHX):c.443del (p.Gly148fs)

Gene: PDHX (pyruvate dehydrogenase complex component X; plus strand). Cytogenetic location: 11p13.
Variant type: Deletion.
Coding change: c.443del on transcript NM_003477.3 (MANE Select); coding-DNA position 443, one base deleted (G; older notation c.443delG).
Protein change: p.Gly148fs; shifts the reading frame from glycine 148.
Molecular consequence: frameshift variant. On other transcripts: intron variant (1).
Genome position (GRCh38, 1-based): chr11:34,957,484, G deleted; the last of 2 consecutive G bases (chr11:34,957,483-34,957,484); deleting either gives the same sequence. VCF-style (leftmost placement, unchanged base first): chr11-34957482-AG-A. GRCh37 (hg19) VCF-style: chr11-34979029-AG-A.
Other names: c.263del, p.Gly88fs (NM_001135024.2); c.342+9878del (NM_001166158.2); short protein forms G148fs, G88fs.
Identifiers: ClinVar variation 3341997 (VCV003341997.16).

ClinVar aggregate classification (germline): Pathogenic (1 of 4 stars; one submission).

Submission:

CeGaT Center for Human Genetics Tuebingen
Classification: Pathogenic. Last evaluated: 2024-08-01. Review status: criteria provided, single submitter. Criteria: CeGaT Center For Human Genetics Tuebingen Variant Classification Criteria Version 2. Collection method: clinical testing. Allele origin: germline. Affected: yes. Observed: 2 variant alleles.
Comment: PDHX: PVS1, PM2